The following is an entry in ClinVar:

ClinVar aggregate classification (germline): Benign. Review status: criteria provided, multiple submitters, no conflicts (2 of 4 stars). 3 submissions from 3 submitters: Benign (3). Last evaluated 2024-07-15.

Allele frequency attached by ClinVar (database versions not stated): gnomAD exomes 0.33173; TOPMed 0.33525; 1000 Genomes Project 30x 0.33713; gnomAD 0.33834 and 0.34000; 1000 Genomes Project 0.33846.

Submissions (3):

Unidad de Genómica Garrahan, Hospital de Pediatría Garrahan
Classification: Benign. Last evaluated: 2024-07-15. Review status: criteria provided, single submitter. Criteria: ACMG Guidelines, 2015. Collection method: clinical testing. Allele origin: germline. Affected: no. Observed: 41 variant alleles.
Comment: This variant is classified as Benign based on local population frequency. This variant was detected in 44% of patients studied in a panel designed for Epileptic and Developmental Encephalopathy and Progressive Myoclonus Epilepsy. Number of patients: 41. Only high quality variants are reported.

GeneDx
Classification: Benign. Last evaluated: 2019-08-20. Review status: criteria provided, single submitter. Criteria: GeneDx Variant Classification Process June 2021. Collection method: clinical testing. Allele origin: germline. Affected: yes.

Breakthrough Genomics
Classification: Benign. Review status: criteria provided, single submitter. Criteria: ACMG Guidelines, 2015. Collection method: not provided. Allele origin: germline. Inheritance: Autosomal recessive inheritance. Affected: yes.

NC_000012.12:g.68686948T>G

Gene: NUP107 (nucleoporin 107; plus strand). Cytogenetic location: 12q15.
Variant type: single nucleotide variant.
Genome position: GRCh38 VCF-style: chr12-68686948-T-G. GRCh37 (hg19) VCF-style: chr12-69080728-T-G.
Identifiers: ClinVar variation 1269166 (VCV001269166.5), dbSNP rs2259702, ClinGen allele CA13592711.